The following is an entry in ClinVar:

NM_006059.4(LAMC3):c.2353C>T (p.Arg785Cys)

Gene: LAMC3 (laminin subunit gamma 3; plus strand). Cytogenetic location: 9q34.12.
Variant type: single nucleotide variant.
Coding change: c.2353C>T on transcript NM_006059.4 (MANE Select); coding-DNA position 2353, C replaced by T.
Protein change: p.Arg785Cys; replaces arginine 785 with cysteine.
Molecular consequence: missense variant.
Genome position (GRCh38, 1-based): chr9:131,066,965, C>T. VCF-style: chr9-131066965-C-T. GRCh37 (hg19) VCF-style: chr9-133942352-C-T.
Other names: c.2353C>T (NM_006059.3); short protein forms R785C.
Identifiers: ClinVar variation 1209913 (VCV001209913.7), dbSNP rs144930767, ClinGen allele CA5287420.
Genomic context (GRCh38, chr9:131,066,965, plus strand): 5'-ATCCCTGGTGGGTCCAGCCAGCTGTGTTCCCCACACGTGCTCCCTCTACACACAGGGCGG[C>T]GCTGTGAGGTCTGTGATGATGGCTTTTTTGGGGACCCGCTGGGGCTCTTTGGGCACCCCC-3'
Protein context (NP_006050.3, residues 775-795): THCPPGQRGR[Arg785Cys]CEVCDDGFFG

ClinVar aggregate classification (germline): Uncertain significance. Review status: criteria provided, multiple submitters, no conflicts (2 of 4 stars). 4 submissions from 4 submitters: Uncertain significance (2). 2 of the submissions do not count toward it. Last evaluated 2024-11-13.

Conditions:
Inborn genetic diseases. Identifiers: MedGen C0950123, MeSH D030342.

Allele frequency attached by ClinVar (database versions not stated): gnomAD 0.00007 and 0.00009; ExAC 0.00015.
gnomAD v4.1: 149 of 1,613,738 alleles (0.0092%); highest among the groups gnomAD compares: Middle Eastern, 0.049%; no homozygotes.

Submissions (4):

Ambry Genetics
Classification: Uncertain significance for Inborn genetic diseases. Last evaluated: 2024-11-13. Review status: criteria provided, single submitter. Criteria: Ambry Variant Classification Scheme 2023. Collection method: clinical testing. Allele origin: germline.

Labcorp Genetics (formerly Invitae), Labcorp
Classification: Uncertain significance. Last evaluated: 2022-07-12. Review status: criteria provided, single submitter. Criteria: Invitae Variant Classification Sherloc (09022015). Collection method: clinical testing. Allele origin: germline.
Comment: This sequence change replaces arginine, which is basic and polar, with cysteine, which is neutral and slightly polar, at codon 785 of the LAMC3 protein (p.Arg785Cys). This variant is present in population databases (rs144930767, gnomAD 0.01%). This variant has not been reported in the literature in individuals affected with LAMC3-related conditions. ClinVar contains an entry for this variant (Variation ID: 1209913). Algorithms developed to predict the effect of missense changes on protein structure and function are either unavailable or do not agree on the potential impact of this missense change (SIFT: "Deleterious"; PolyPhen-2: "Probably Damaging"; Align-GVGD: "Class C0"). In summary, the available evidence is currently insufficient to determine the role of this variant in disease. Therefore, it has been classified as a Variant of Uncertain Significance.

Clinical Genetics DNA and cytogenetics Diagnostics Lab, Erasmus MC, Erasmus Medical Center
Classification: Uncertain significance. Review status: no assertion criteria provided. Collection method: clinical testing. Allele origin: germline. Affected: yes. Study: VKGL Data-share Consensus. Not counted in ClinVar's aggregate classification.

Genome Diagnostics Laboratory, Amsterdam University Medical Center
Classification: Uncertain significance. Review status: no assertion criteria provided. Collection method: clinical testing. Allele origin: germline. Affected: yes. Study: VKGL Data-share Consensus. Not counted in ClinVar's aggregate classification.